The following is an entry in ClinVar:

ClinVar aggregate classification (germline): Conflicting classifications of pathogenicity. Review status: criteria provided, conflicting classifications (1 of 4 stars). 2 submissions from 2 submitters: Uncertain significance (1); Likely benign (1). Last evaluated 2023-03-23.

Conditions:
Hereditary cancer-predisposing syndrome. Also called: Hereditary Cancer Syndrome; Hereditary neoplastic syndrome; Tumor predisposition; Neoplastic Syndromes, Hereditary. Identifiers: Orphanet 140162, MedGen C0027672, MeSH D009386, MONDO:0015356.

Submissions (2):

University of Washington Department of Laboratory Medicine, University of Washington
Classification: Likely benign for Hereditary cancer-predisposing syndrome. Last evaluated: 2023-03-23. Review status: criteria provided, single submitter. Criteria: Dines et al. (Genet Med. 2020). Collection method: curation. Allele origin: germline.
Comment: Missense variant in a coldspot region where missense variants are very unlikely to be pathogenic (PMID:31911673).

BRCA2 exon 11 coldspot. Reclassification based on statistical prior probability.

Ambry Genetics
Classification: Uncertain significance for Hereditary cancer-predisposing syndrome. Last evaluated: 2021-10-04. Review status: criteria provided, single submitter. Criteria: Ambry Variant Classification Scheme 2023. Collection method: clinical testing. Allele origin: germline.
Comment: The p.N781D variant (also known as c.2341A>G), located in coding exon 10 of the BRCA2 gene, results from an A to G substitution at nucleotide position 2341. The asparagine at codon 781 is replaced by aspartic acid, an amino acid with highly similar properties. This amino acid position is not well conserved in available vertebrate species. In addition, this alteration is predicted to be tolerated by in silico analysis. Since supporting evidence is limited at this time, the clinical significance of this alteration remains unclear.

NM_000059.4(BRCA2):c.2341A>G (p.Asn781Asp)

Gene: BRCA2 (BRCA2 DNA repair associated; plus strand). Cytogenetic location: 13q13.1.
Variant type: single nucleotide variant.
Coding change: c.2341A>G on transcript NM_000059.4 (MANE Select); coding-DNA position 2341, A replaced by G.
Protein change: p.Asn781Asp; replaces asparagine 781 with aspartic acid.
Molecular consequence: missense variant.
Genome position (GRCh38, 1-based): chr13:32,336,696, A>G. VCF-style: chr13-32336696-A-G. GRCh37 (hg19) VCF-style: chr13-32910833-A-G.
Other names: c.2341A>G, p.Asn781Asp (NM_001406719.1, NM_001406720.1); short protein forms N781D.
Identifiers: ClinVar variation 1789868 (VCV001789868.4), dbSNP rs587782485, ClinGen allele CA387771581.
Genomic context (GRCh38, chr13:32,336,696, plus strand): 5'-TATGATCATGAAAATGCCAGCACTCTTATTTTAACTCCTACTTCCAAGGATGTTCTGTCA[A>G]ACCTAGTCATGATTTCTAGAGGCAAAGAATCATACAAAATGTCAGACAAGCTCAAAGGTA-3'
Protein context (NP_000050.3, residues 771-791): LTPTSKDVLS[Asn781Asp]LVMISRGKES